The following is an entry in ClinVar:

NM_001197104.2(KMT2A):c.4783G>A (p.Val1595Ile)

Gene: KMT2A (lysine methyltransferase 2A; plus strand). Cytogenetic location: 11q23.3.
Variant type: single nucleotide variant.
Coding change: c.4783G>A on transcript NM_001197104.2 (MANE Select); coding-DNA position 4783, G replaced by A.
Protein change: p.Val1595Ile; replaces valine 1595 with isoleucine.
Molecular consequence: missense variant.
Genome position (GRCh38, 1-based): chr11:118,491,282, G>A. VCF-style: chr11-118491282-G-A. GRCh37 (hg19) VCF-style: chr11-118361997-G-A.
Other names: c.4882G>A, p.Val1628Ile (NM_001412597.1); c.4783G>A, p.Val1595Ile (NM_005933.4); short protein forms V1628I, V1595I.
Identifiers: ClinVar variation 2764909 (VCV002764909.3), dbSNP rs1555042411, ClinGen allele CA382834454.

ClinVar aggregate classification (germline): Uncertain significance (1 of 4 stars; one submission).

Allele frequency attached by ClinVar (database versions not stated): gnomAD exomes below 0.00001.
gnomAD v4.1: 1 of 1,613,946 alleles (0.000062%); highest among the groups gnomAD compares: Admixed American, 0.0017%; no homozygotes.

Submission:

Labcorp Genetics (formerly Invitae), Labcorp
Classification: Uncertain significance. Last evaluated: 2023-10-03. Review status: criteria provided, single submitter. Criteria: Invitae Variant Classification Sherloc (09022015). Collection method: clinical testing. Allele origin: germline.
Comment: This sequence change replaces valine, which is neutral and non-polar, with isoleucine, which is neutral and non-polar, at codon 1595 of the KMT2A protein (p.Val1595Ile). This variant is present in population databases (no rsID available, gnomAD 0.003%). This variant has not been reported in the literature in individuals affected with KMT2A-related conditions. Advanced modeling of protein sequence and biophysical properties (such as structural, functional, and spatial information, amino acid conservation, physicochemical variation, residue mobility, and thermodynamic stability) performed at Invitae indicates that this missense variant is not expected to disrupt KMT2A protein function. In summary, the available evidence is currently insufficient to determine the role of this variant in disease. Therefore, it has been classified as a Variant of Uncertain Significance.